The following is an entry in ClinVar:

NC_000008.10:g.(?_67976634)_(68071392_?)dup

Gene: CSPP1 (centrosome and spindle pole associated protein 1; plus strand). Cytogenetic location: 8q13.1-13.2.
Variant type: Duplication.
Identifiers: ClinVar variation 2426891 (VCV002426891.3).

ClinVar aggregate classification (germline): Uncertain significance (1 of 4 stars; one submission).

Conditions:
Joubert syndrome 21 (JBTS21). Identifiers: MedGen C3810212, MONDO:0014288, OMIM 615636.

Submission:

Labcorp Genetics (formerly Invitae), Labcorp
Classification: Uncertain significance for Joubert syndrome 21. Last evaluated: 2022-02-11. Review status: criteria provided, single submitter. Criteria: Invitae Variant Classification Sherloc (09022015). Collection method: clinical testing. Allele origin: germline.
Comment: This variant results in a copy number gain of the genomic region encompassing exon(s) 1-19 of the CSPP1 gene. This region includes the initiator codon of the gene. This copy number gain extends beyond the assayed region for this gene and therefore may encompass additional genes. As the precise location of this event is unknown, it may be in tandem or it may be located elsewhere in the genome. This variant has not been reported in the literature in individuals affected with CSPP1-related conditions. In summary, the available evidence is currently insufficient to determine the role of this variant in disease. Therefore, it has been classified as a Variant of Uncertain Significance.